The following is an entry in ClinVar:

ClinVar aggregate classification (germline): Likely benign. Review status: criteria provided, multiple submitters, no conflicts (2 of 4 stars). 4 submissions from 4 submitters: Likely benign (4). Last evaluated 2025-10-11.

Conditions:
Cardiomyopathy, familial restrictive, 3. Identifiers: Orphanet 75249, MedGen C2676271, MONDO:0012900, OMIM 612422.
Hypertrophic cardiomyopathy 2. Also called: TNNT2-Related Familial Hypertrophic Cardiomyopathy. Identifiers: MedGen C1861864, MONDO:0007266, OMIM 115195.
Dilated cardiomyopathy 1D. Identifiers: Orphanet 154, Orphanet 54260, MedGen C1832243, MONDO:0011095, OMIM 601494.
Cardiomyopathy (CMYO). Also called: Cardiomyopathies. Identifiers: Orphanet 167848, MedGen C0878544, MONDO:0004994, HP:0001638. Inheritance: Various modes of inheritance.

Allele frequency attached by ClinVar (database versions not stated): gnomAD 0.00001; TOPMed 0.00002; gnomAD exomes 0.00006; ESP Exome Variant Server 0.00008.
gnomAD v4.1: 82 of 1,613,860 alleles (0.0051%); highest among the groups gnomAD compares: Non-Finnish European, 0.0069%; no homozygotes.

Submissions (4):

Labcorp Genetics (formerly Invitae), Labcorp
Classification: Likely benign for Cardiomyopathy, familial restrictive, 3; Hypertrophic cardiomyopathy 2; Dilated cardiomyopathy 1D. Last evaluated: 2025-10-11. Review status: criteria provided, single submitter. Criteria: Invitae Variant Classification Sherloc (09022015). Collection method: clinical testing. Allele origin: germline.

Women's Health and Genetics/Laboratory Corporation of America, LabCorp
Classification: Likely benign. Last evaluated: 2025-04-29. Review status: criteria provided, single submitter. Criteria: LabCorp Variant Classification Summary - May 2015. Collection method: clinical testing. Allele origin: germline.

All of Us Research Program, National Institutes of Health
Classification: Likely benign for Cardiomyopathy. Last evaluated: 2024-02-05. Review status: criteria provided, single submitter. Criteria: ACMG Guidelines, 2015. Collection method: clinical testing. Allele origin: germline. Inheritance: Autosomal dominant inheritance. Observed: 9 variant alleles, 9 heterozygotes.
Comment: This study involves interpretation of variants in research participants for the purpose of population health screening. Participant phenotype was not available at the time of variant classification. Additional details can be found in publication PMID: 35346344, PMCID: PMC8962531

Color Diagnostics, LLC DBA Color Health
Classification: Likely benign for Cardiomyopathy. Last evaluated: 2019-07-19. Review status: criteria provided, single submitter. Criteria: ACMG Guidelines, 2015. Collection method: clinical testing. Allele origin: germline.

NM_001276345.2(TNNT2):c.610-6C>T

Gene: TNNT2 (troponin T2, cardiac type; minus strand). Cytogenetic location: 1q32.1.
Variant type: single nucleotide variant.
Coding change: c.610-6C>T on transcript NM_001276345.2 (MANE Select); 6 bases into the intron before coding-DNA position 610, C replaced by T.
Molecular consequence: intron variant.
Genome position (GRCh38, 1-based): chr1:201,362,028, G>A on the plus strand (C>T on the coding strand, the complement: TNNT2 is on the minus strand). VCF-style: chr1-201362028-G-A. GRCh37 (hg19) VCF-style: chr1-201331156-G-A.
Other names: c.562-6C>T (NM_001001432.3); c.571-6C>T (NM_001001431.3); c.580-6C>T (NM_001001430.3, NM_001276347.2); c.481-6C>T (NM_001276346.2); c.601-6C>T (NM_000364.4).
Identifiers: ClinVar variation 496078 (VCV000496078.14), dbSNP rs45516702, ClinGen allele CA35418749.